The following is an entry in ClinVar:

NM_172364.5(CACNA2D4):c.2100C>A (p.Ser700Arg)

Gene: CACNA2D4 (calcium voltage-gated channel auxiliary subunit alpha2delta 4; minus strand). Cytogenetic location: 12p13.33.
Variant type: single nucleotide variant.
Coding change: c.2100C>A on transcript NM_172364.5 (MANE Select); coding-DNA position 2100, C replaced by A.
Protein change: p.Ser700Arg; replaces serine 700 with arginine.
Molecular consequence: missense variant.
Genome position (GRCh38, 1-based): chr12:1,856,064, G>T on the plus strand (C>A on the coding strand, the complement: CACNA2D4 is on the minus strand). VCF-style: chr12-1856064-G-T. GRCh37 (hg19) VCF-style: chr12-1965230-G-T.
Other names: short protein forms S700R.
Identifiers: ClinVar variation 966055 (VCV000966055.9), dbSNP rs1865392105, ClinGen allele CA383349459.

ClinVar aggregate classification (germline): Uncertain significance (1 of 4 stars; one submission).

gnomAD v4.1: 3 of 1,614,022 alleles (0.00019%); highest among the groups gnomAD compares: Non-Finnish European, 0.00017%; no homozygotes.

Submission:

Labcorp Genetics (formerly Invitae), Labcorp
Classification: Uncertain significance. Last evaluated: 2023-08-04. Review status: criteria provided, single submitter. Criteria: Invitae Variant Classification Sherloc (09022015). Collection method: clinical testing. Allele origin: germline.
Comment: In summary, the available evidence is currently insufficient to determine the role of this variant in disease. Therefore, it has been classified as a Variant of Uncertain Significance. This sequence change replaces serine, which is neutral and polar, with arginine, which is basic and polar, at codon 700 of the CACNA2D4 protein (p.Ser700Arg). This variant is not present in population databases (gnomAD no frequency). This variant has not been reported in the literature in individuals affected with CACNA2D4-related conditions. ClinVar contains an entry for this variant (Variation ID: 966055). An algorithm developed to predict the effect of missense changes on protein structure and function (PolyPhen-2) suggests that this variant is likely to be tolerated.